The following is an entry in ClinVar:

NM_000336.3(SCNN1B):c.721C>G (p.Pro241Ala)

Gene: SCNN1B (sodium channel epithelial 1 subunit beta; plus strand). Cytogenetic location: 16p12.2.
Variant type: single nucleotide variant.
Coding change: c.721C>G on transcript NM_000336.3 (MANE Select); coding-DNA position 721, C replaced by G.
Protein change: p.Pro241Ala; replaces proline 241 with alanine.
Molecular consequence: missense variant.
Genome position (GRCh38, 1-based): chr16:23,355,434, C>G. VCF-style: chr16-23355434-C-G. GRCh37 (hg19) VCF-style: chr16-23366755-C-G.
Other names: c.721C>G, p.Pro241Ala (NM_001410900.1); c.721C>G (NM_000336.2); short protein forms P241A.
Identifiers: ClinVar variation 4691524 (VCV004691524.2).

ClinVar aggregate classification (germline): Uncertain significance. Review status: criteria provided, multiple submitters, no conflicts (2 of 4 stars). 2 submissions from 2 submitters: Uncertain significance (2). Last evaluated 2025-08-02.

Conditions:
SCNN1B-related disorder. Also called: SCNN1B-related condition.

gnomAD v4.1: 5 of 1,614,034 alleles (0.00031%); highest among the groups gnomAD compares: Admixed American, 0.0067%; no homozygotes.

Submissions (2):

PreventionGenetics, part of Exact Sciences
Classification: Uncertain significance for SCNN1B-related condition. Last evaluated: 2025-08-02. Review status: criteria provided, single submitter. Criteria: ACMG Guidelines, 2015. Collection method: clinical testing. Allele origin: germline.
Comment: The SCNN1B c.721C>G variant is predicted to result in the amino acid substitution p.Pro241Ala. To our knowledge, this variant has not been reported in the literature. This variant is reported in 0.011% of alleles in individuals of Latino descent in gnomAD. At this time, the clinical significance of this variant is uncertain due to the absence of conclusive functional and genetic evidence.

Labcorp Genetics (formerly Invitae), Labcorp
Classification: Uncertain significance. Last evaluated: 2025-07-08. Review status: criteria provided, single submitter. Criteria: Invitae Variant Classification Sherloc (09022015). Collection method: clinical testing. Allele origin: germline.
Comment: This sequence change replaces proline, which is neutral and non-polar, with alanine, which is neutral and non-polar, at codon 241 of the SCNN1B protein (p.Pro241Ala). This variant is present in population databases (rs761122352, gnomAD 0.01%). This variant has not been reported in the literature in individuals affected with SCNN1B-related conditions. Invitae Evidence Modeling of protein sequence and biophysical properties (such as structural, functional, and spatial information, amino acid conservation, physicochemical variation, residue mobility, and thermodynamic stability) indicates that this missense variant is not expected to disrupt SCNN1B protein function with a negative predictive value of 80%. In summary, the available evidence is currently insufficient to determine the role of this variant in disease. Therefore, it has been classified as a Variant of Uncertain Significance.